The following is an entry in ClinVar:

ClinVar aggregate classification (germline): Uncertain significance (1 of 4 stars; one submission).

Conditions:
Holoprosencephaly 9 (HPE9). Also called: PITUITARY ANOMALIES WITH HOLOPROSENCEPHALY-LIKE FEATURES; HOLOPROSENCEPHALY WITH MICROPHTHALMIA AND FIRST BRANCHIAL ARCH ANOMALIES. Identifiers: Orphanet 2162, MedGen C1835819, MONDO:0012563, OMIM 610829.
Postaxial polydactyly-anterior pituitary anomalies-facial dysmorphism syndrome. Also called: Culler-Jones syndrome. Identifiers: Orphanet 420584, MedGen C4014479, MONDO:0014369, OMIM 615849.

Allele frequency attached by ClinVar (database versions not stated): gnomAD exomes 0.00001; TOPMed 0.00001; ExAC 0.00002; gnomAD 0.00002; ESP Exome Variant Server 0.00008; 1000 Genomes Project 30x 0.00016; 1000 Genomes Project 0.00020.
gnomAD v4.1: 20 of 1,612,494 alleles (0.0012%); highest among the groups gnomAD compares: Admixed American, 0.0017%; no homozygotes.

Submission:

Labcorp Genetics (formerly Invitae), Labcorp
Classification: Uncertain significance for Postaxial polydactyly-anterior pituitary anomalies-facial dysmorphism syndrome; Holoprosencephaly 9. Last evaluated: 2022-08-24. Review status: criteria provided, single submitter. Criteria: Invitae Variant Classification Sherloc (09022015). Collection method: clinical testing. Allele origin: germline.
Comment: This sequence change replaces glycine, which is neutral and non-polar, with arginine, which is basic and polar, at codon 1210 of the GLI2 protein (p.Gly1210Arg). This variant is present in population databases (rs150417879, gnomAD 0.003%). This variant has not been reported in the literature in individuals affected with GLI2-related conditions. Algorithms developed to predict the effect of missense changes on protein structure and function (SIFT, PolyPhen-2, Align-GVGD) all suggest that this variant is likely to be tolerated. In summary, the available evidence is currently insufficient to determine the role of this variant in disease. Therefore, it has been classified as a Variant of Uncertain Significance.

NM_001374353.1(GLI2):c.3577G>A (p.Gly1193Arg)

Gene: GLI2 (GLI family zinc finger 2; plus strand). Cytogenetic location: 2q14.2.
Variant type: single nucleotide variant.
Coding change: c.3577G>A on transcript NM_001374353.1 (MANE Select); coding-DNA position 3577, G replaced by A.
Protein change: p.Gly1193Arg; replaces glycine 1193 with arginine.
Molecular consequence: missense variant.
Genome position (GRCh38, 1-based): chr2:120,989,542, G>A. VCF-style: chr2-120989542-G-A. GRCh37 (hg19) VCF-style: chr2-121747118-G-A.
Other names: c.3628G>A, p.Gly1210Arg (NM_001371271.1, NM_005270.5); c.3202G>A, p.Gly1068Arg (NM_001374354.1); short protein forms G1210R, G1068R, G1193R.
Identifiers: ClinVar variation 2080971 (VCV002080971.4), dbSNP rs150417879, ClinGen allele CA1852439.